The following is an entry in ClinVar:

NM_004260.4(RECQL4):c.2771T>C (p.Leu924Pro)

Gene: RECQL4 (RecQ like helicase 4; minus strand). Cytogenetic location: 8q24.3.
Variant type: single nucleotide variant.
Coding change: c.2771T>C on transcript NM_004260.4 (MANE Select); coding-DNA position 2771, T replaced by C.
Protein change: p.Leu924Pro; replaces leucine 924 with proline.
Molecular consequence: missense variant.
Genome position (GRCh38, 1-based): chr8:144,512,756, A>G on the plus strand (T>C on the coding strand, the complement: RECQL4 is on the minus strand). VCF-style: chr8-144512756-A-G. GRCh37 (hg19) VCF-style: chr8-145738139-A-G.
Other names: short protein forms L924P.
Identifiers: ClinVar variation 1443550 (VCV001443550.6), dbSNP rs1827488371, ClinGen allele CA372674526.
Genomic context (GRCh38, chr8:144,512,756, plus strand): 5'-TGGGTATAGGTGGTCGCCAGCAGCTCCAGCCAGTGGTGTGGGTGCAGCTCCAGGTAGCAC[A>G]GCAAAGTCTCGATGGCTGGGGGCAGAGCAGGGCTCAGCGGACGCGGGGACAGCCCCTCCA-3'
Protein context (NP_004251.4, residues 914-934): DMPEEAIETL[Leu924Pro]CYLELHPHHW

ClinVar aggregate classification (germline): Uncertain significance (1 of 4 stars; one submission).

Conditions:
Baller-Gerold syndrome (BGS). Also called: CRANIOSYNOSTOSIS WITH RADIAL DEFECTS. Identifiers: Orphanet 1225, MedGen C0265308, MONDO:0009039, OMIM 218600.

Submission:

Labcorp Genetics (formerly Invitae), Labcorp
Classification: Uncertain significance for Baller-Gerold syndrome. Last evaluated: 2021-09-20. Review status: criteria provided, single submitter. Criteria: Invitae Variant Classification Sherloc (09022015). Collection method: clinical testing. Allele origin: germline.
Comment: This sequence change replaces leucine with proline at codon 924 of the RECQL4 protein (p.Leu924Pro). The leucine residue is highly conserved and there is a moderate physicochemical difference between leucine and proline. This variant is not present in population databases (ExAC no frequency). This variant has not been reported in the literature in individuals affected with RECQL4-related conditions. Experimental studies and prediction algorithms are not available or were not evaluated, and the functional significance of this variant is currently unknown. In summary, the available evidence is currently insufficient to determine the role of this variant in disease. Therefore, it has been classified as a Variant of Uncertain Significance.